The following is an entry in ClinVar:

ClinVar aggregate classification (germline): Uncertain significance. Review status: criteria provided, multiple submitters, no conflicts (2 of 4 stars). 2 submissions from 2 submitters: Uncertain significance (2). Last evaluated 2026-01-20.

Conditions:
Neurodegeneration with brain iron accumulation 6 (NBIA6). Also called: COASY protein-associated neurodegeneration. Identifiers: Orphanet 397725, MedGen C4517377, MONDO:0014290, OMIM 615643.

Allele frequency attached by ClinVar (database versions not stated): ExAC 0.00001; gnomAD exomes 0.00001; TOPMed 0.00001.

Submissions (2):

3billion
Classification: Uncertain significance for Neurodegeneration with brain iron accumulation 6. Last evaluated: 2026-01-20. Review status: criteria provided, single submitter. Criteria: ACMG Guidelines, 2015. Collection method: clinical testing. Allele origin: germline. Affected: yes.
Comment: The variant is observed at an extremely low frequency in the gnomAD v4.1.0 dataset (total allele frequency: 0.001%). Predicted Consequence/Location: Missense variant In silico tool predictions suggest damaging effect of the variant on gene or gene product [REVEL: 0.81 (>=0.6, sensitivity 0.68 and specificity 0.92)]. The variant has been reported as of uncertain significance (ClinVar ID: VCV001897032). Therefore, this variant is classified as VUS according to the recommendation of ACMG/AMP guideline.

Labcorp Genetics (formerly Invitae), Labcorp
Classification: Uncertain significance for Neurodegeneration with brain iron accumulation 6. Last evaluated: 2022-10-24. Review status: criteria provided, single submitter. Criteria: Invitae Variant Classification Sherloc (09022015). Collection method: clinical testing. Allele origin: germline.
Comment: This sequence change replaces arginine, which is basic and polar, with histidine, which is basic and polar, at codon 302 of the COASY protein (p.Arg302His). This variant is present in population databases (rs768480206, gnomAD 0.007%). This variant has not been reported in the literature in individuals affected with COASY-related conditions. Advanced modeling of protein sequence and biophysical properties (such as structural, functional, and spatial information, amino acid conservation, physicochemical variation, residue mobility, and thermodynamic stability) performed at Invitae indicates that this missense variant is expected to disrupt COASY protein function. In summary, the available evidence is currently insufficient to determine the role of this variant in disease. Therefore, it has been classified as a Variant of Uncertain Significance.

NM_025233.7(COASY):c.905G>A (p.Arg302His)

Gene: COASY (Coenzyme A synthase; plus strand). Cytogenetic location: 17q21.2.
Variant type: single nucleotide variant.
Coding change: c.905G>A on transcript NM_025233.7 (MANE Select); coding-DNA position 905, G replaced by A.
Protein change: p.Arg302His; replaces arginine 302 with histidine.
Molecular consequence: missense variant.
Genome position (GRCh38, 1-based): chr17:42,564,165, G>A. VCF-style: chr17-42564165-G-A. GRCh37 (hg19) VCF-style: chr17-40716183-G-A.
Other names: c.905G>A, p.Arg302His (NM_001042529.3); c.992G>A, p.Arg331His (NM_001042532.4); short protein forms R302H, R331H.
Identifiers: ClinVar variation 1897032 (VCV001897032.6), dbSNP rs768480206, ClinGen allele CA8578095.